The following is an entry in ClinVar:

NM_016333.4(SRRM2):c.7025G>A (p.Arg2342Gln)

Gene: SRRM2 (serine/arginine repetitive matrix 2; plus strand). Cytogenetic location: 16p13.3.
Variant type: single nucleotide variant.
Coding change: c.7025G>A on transcript NM_016333.4 (MANE Select); coding-DNA position 7025, G replaced by A.
Protein change: p.Arg2342Gln; replaces arginine 2342 with glutamine.
Molecular consequence: missense variant.
Genome position (GRCh38, 1-based): chr16:2,767,553, G>A. VCF-style: chr16-2767553-G-A. GRCh37 (hg19) VCF-style: chr16-2817554-G-A.
Other names: short protein forms R2342Q.
Identifiers: ClinVar variation 3375360 (VCV003375360.1).

ClinVar aggregate classification (germline): Uncertain significance (1 of 4 stars; one submission).

gnomAD v4.1: 8 of 1,613,980 alleles (0.0005%); highest among the groups gnomAD compares: South Asian, 0.0022%; no homozygotes.

Submission:

Women's Health and Genetics/Laboratory Corporation of America, LabCorp
Classification: Uncertain significance. Last evaluated: 2024-09-20. Review status: criteria provided, single submitter. Criteria: LabCorp Variant Classification Summary - May 2015. Collection method: clinical testing. Allele origin: germline.
Comment: Variant summary: SRRM2 c.7025G>A (p.Arg2342Gln) results in a conservative amino acid change in the encoded protein sequence. Four of five in-silico tools predict a benign effect of the variant on protein function. The variant allele was found at a frequency of 4e-06 in 251464 control chromosomes. The available data on variant occurrences in the general population are insufficient to allow any conclusion about variant significance. To our knowledge, no occurrence of c.7025G>A in individuals affected with Intellectual Developmental Disorder, Autosomal Dominant 72 and no experimental evidence demonstrating its impact on protein function have been reported. No submitters have cited clinical-significance assessments for this variant to ClinVar. Based on the evidence outlined above, the variant was classified as uncertain significance.